The following is an entry in ClinVar:

NM_014629.4(ARHGEF10):c.3223-12_3223-11del

Gene: ARHGEF10 (Rho guanine nucleotide exchange factor 10; plus strand). Cytogenetic location: 8p23.3.
Variant type: Microsatellite.
Coding change: c.3223-12_3223-11del on transcript NM_014629.4 (MANE Select); 12 bases into the intron before coding-DNA position 3223 through 11 bases into the intron before coding-DNA position 3223, 2 bases deleted (TC; older notation c.3223-12_3223-11delTC).
Molecular consequence: intron variant.
Genome position (GRCh38, 1-based): chr8:1,945,469-1,945,470, TC deleted; deleting any 2 consecutive bases within chr8:1,945,466-1,945,470 gives the same sequence; the c. name uses the placement nearest the transcript's 3' end. VCF-style (leftmost placement, unchanged base first): chr8-1945465-CCT-C. GRCh37 (hg19) VCF-style: chr8-1893631-CCT-C.
Other names: c.3106-12_3106-11del (NM_001438092.1, NM_001438093.1); c.3226-12_3226-11del (NM_001438091.1); c.3109-12_3109-11del (NM_001308152.2, NM_001438094.1); c.3223-12_3223-11del (NM_001308153.3).
Identifiers: ClinVar variation 4691359 (VCV004691359.1).

ClinVar aggregate classification (germline): Uncertain significance (1 of 4 stars; one submission).

Submission:

Labcorp Genetics (formerly Invitae), Labcorp
Classification: Uncertain significance. Last evaluated: 2025-08-15. Review status: criteria provided, single submitter. Criteria: Invitae Variant Classification Sherloc (09022015). Collection method: clinical testing. Allele origin: germline.
Comment: This sequence change falls in intron 26 of the ARHGEF10 gene. It does not directly change the encoded amino acid sequence of the ARHGEF10 protein. This variant is present in population databases (rs746461934, gnomAD 0.001%). This variant has not been reported in the literature in individuals affected with ARHGEF10-related conditions. Algorithms developed to predict the effect of sequence changes on RNA splicing suggest that this variant may disrupt the consensus splice site. In summary, the available evidence is currently insufficient to determine the role of this variant in disease. Therefore, it has been classified as a Variant of Uncertain Significance.